The following is an entry in ClinVar:

ClinVar aggregate classification (germline): Likely benign. Review status: criteria provided, multiple submitters, no conflicts (2 of 4 stars). 3 submissions from 3 submitters: Likely benign (3). Last evaluated 2026-08-01.

Conditions:
Dilated cardiomyopathy 1G (CMD1G). Identifiers: Orphanet 154, MedGen C1858763, MONDO:0011400, OMIM 604145.
Autosomal recessive limb-girdle muscular dystrophy type 2J (LGMDR10). Also called: MUSCULAR DYSTROPHY, LIMB-GIRDLE, AUTOSOMAL RECESSIVE 10; Limb-girdle muscular dystrophy, type 2J. Identifiers: Orphanet 140922, MedGen C1837342, MONDO:0012127, OMIM 608807.

Allele frequency attached by ClinVar (database versions not stated): TOPMed below 0.00001.

Submissions (3):

CeGaT Center for Human Genetics Tuebingen
Classification: Likely benign. Last evaluated: 2026-08-01. Review status: criteria provided, single submitter. Criteria: CeGaT Center For Human Genetics Tuebingen Variant Classification Criteria Version 2. Collection method: clinical testing. Allele origin: germline. Affected: yes. Observed: 1 variant allele.
Comment: TTN: PM2:Supporting, BP4, BP7

Molecular Diagnostic Laboratory for Inherited Cardiovascular Disease, Montreal Heart Institute
Classification: Likely benign. Last evaluated: 2025-04-09. Review status: criteria provided, single submitter. Criteria: ACMG Guidelines, 2015. Collection method: clinical testing. Allele origin: germline. Affected: no.

Labcorp Genetics (formerly Invitae), Labcorp
Classification: Likely benign for Dilated cardiomyopathy 1G; Autosomal recessive limb-girdle muscular dystrophy type 2J. Last evaluated: 2022-05-03. Review status: criteria provided, single submitter. Criteria: Invitae Variant Classification Sherloc (09022015). Collection method: clinical testing. Allele origin: germline.

NM_001267550.2(TTN):c.25011G>A (p.Lys8337=)

Gene: TTN (titin; minus strand). Cytogenetic location: 2q31.2.
Variant type: single nucleotide variant.
Coding change: c.25011G>A on transcript NM_001267550.2 (MANE Select); coding-DNA position 25011, G replaced by A.
Protein change: p.Lys8337=; no amino-acid change (lysine 8337 retained).
Molecular consequence: synonymous variant. On other transcripts: intron variant (3).
Genome position (GRCh38, 1-based): chr2:178,717,995, C>T on the plus strand (G>A on the coding strand, the complement: TTN is on the minus strand). VCF-style: chr2-178717995-C-T. GRCh37 (hg19) VCF-style: chr2-179582722-C-T.
Other names: c.24060G>A, p.Lys8020= (NM_001256850.1); c.21279G>A, p.Lys7093= (NM_133378.4); c.13282+20087G>A (NM_003319.4); c.13858+20087G>A (NM_133437.4); c.13657+20087G>A (NM_133432.3).
Identifiers: ClinVar variation 1540023 (VCV001540023.10), dbSNP rs2077753718, ClinGen allele CA430285916.
Genomic context (GRCh38, chr2:178,717,995, plus strand): 5'-ACCATCACCTTTGATAACAAGCACAGCTGAAGAAGCGACTGCCCCCACACTGTTGTCTGC[C>T]TTGCATGAATACTCTCCCACATCACTGTGATCCACTTTGTTGATTACTAAGGAAGCAACG-3'
Protein context (NP_001254479.2, residues 8327-8347): DHSDVGEYSC[Lys8337=]ADNSVGAVAS